The following is an entry in ClinVar:

ClinVar aggregate classification (germline): Conflicting classifications of pathogenicity. Review status: criteria provided, conflicting classifications (1 of 4 stars). 2 submissions from 2 submitters: Likely pathogenic (1); Uncertain significance (1). Last evaluated 2024-08-16.

Conditions:
Pulmonary hypertension, neonatal, susceptibility to (PHN). Identifiers: MedGen C3714958, MONDO:0014151, OMIM 615371.

Submissions (2):

Women's Health and Genetics/Laboratory Corporation of America, LabCorp
Classification: Uncertain significance. Last evaluated: 2024-08-16. Review status: criteria provided, single submitter. Criteria: LabCorp Variant Classification Summary - May 2015. Collection method: clinical testing. Allele origin: germline.
Comment: Variant summary: CPS1 c.1169T>G (p.Leu390Arg) results in a non-conservative amino acid change located in the Glutamine amidotransferase domain (IPR017926) of the encoded protein sequence. Five of five in-silico tools predict a damaging effect of the variant on protein function. The variant was absent in 249392 control chromosomes. c.1169T>G has been reported in the literature as a homozygous genotype in at-least one individual affected with Carbamoylphosphate Synthetase I Deficiency (Eeds_2006) who has been subsequently cited by others (Martinez_2010, Haberle_2006, Yan_2019). These data indicate that the variant may be associated with disease. At least one publication reports experimental evidence evaluating an impact on protein function; however, the data does not allow convincing conclusions about the variant effect, although the authors report that this variant induced strong CPS1 instability as revealed by western blotting of insect cell extracts (Diez-Fernandez_2013). The following publications have been ascertained in the context of this evaluation (PMID: 20800523, 23649895, 16737834, 21120950, 31507628). ClinVar contains an entry for this variant (Variation ID: 1696209). Based on the evidence outlined above, the variant was classified as VUS-possibly pathogenic.

Baylor Genetics
Classification: Likely pathogenic for Pulmonary hypertension, neonatal, susceptibility to. Last evaluated: 2023-05-16. Review status: criteria provided, single submitter. Criteria: ACMG Guidelines, 2015. Collection method: clinical testing. Allele origin: unknown.

Literature cited by the submitters: PubMed 20800523 (cited by Women's Health and Genetics/Laboratory Corporation of America, LabCorp); PubMed 23649895 (cited by Women's Health and Genetics/Laboratory Corporation of America, LabCorp); PubMed 16737834 (cited by Women's Health and Genetics/Laboratory Corporation of America, LabCorp); PubMed 21120950 (cited by Women's Health and Genetics/Laboratory Corporation of America, LabCorp); PubMed 31507628 (cited by Women's Health and Genetics/Laboratory Corporation of America, LabCorp).

NM_001875.5(CPS1):c.1169T>G (p.Leu390Arg)

Gene: CPS1 (carbamoyl-phosphate synthase 1; plus strand). Cytogenetic location: 2q34.
Variant type: single nucleotide variant.
Coding change: c.1169T>G on transcript NM_001875.5 (MANE Select); coding-DNA position 1169, T replaced by G.
Protein change: p.Leu390Arg; replaces leucine 390 with arginine.
Molecular consequence: missense variant. On other transcripts: non-coding transcript variant (2).
Genome position (GRCh38, 1-based): chr2:210,594,512, T>G. VCF-style: chr2-210594512-T-G. GRCh37 (hg19) VCF-style: chr2-211459236-T-G.
Other names: c.1169T>G, p.Leu390Arg (NM_001122633.3, NM_001369257.1); c.1202T>G, p.Leu401Arg (NM_001369256.1); short protein forms L390R, L401R.
Identifiers: ClinVar variation 1696209 (VCV001696209.3), dbSNP rs2106116333, ClinGen allele CA350432067.